The following is an entry in ClinVar:

NM_001999.4(FBN2):c.1420G>A (p.Ala474Thr)

Gene: FBN2 (fibrillin 2; minus strand). Cytogenetic location: 5q23.3.
Variant type: single nucleotide variant.
Coding change: c.1420G>A on transcript NM_001999.4 (MANE Select); coding-DNA position 1420, G replaced by A.
Protein change: p.Ala474Thr; replaces alanine 474 with threonine.
Molecular consequence: missense variant.
Genome position (GRCh38, 1-based): chr5:128,393,180, C>T on the plus strand (G>A on the coding strand, the complement: FBN2 is on the minus strand). VCF-style: chr5-128393180-C-T. GRCh37 (hg19) VCF-style: chr5-127728873-C-T.
Other names: short protein forms A474T.
Identifiers: ClinVar variation 3513616 (VCV003513616.2).

ClinVar aggregate classification (germline): Uncertain significance. Review status: criteria provided, multiple submitters, no conflicts (2 of 4 stars). 2 submissions from 2 submitters: Uncertain significance (2). Last evaluated 2025-09-22.

Conditions:
Congenital contractural arachnodactyly (CCA). Also called: BEALS SYNDROME; Beals-Hecht syndrome; Arthrogryposis, distal, type 9. Identifiers: Orphanet 115, MedGen C0220668, MONDO:0007363, OMIM 121050.
Familial thoracic aortic aneurysm and aortic dissection (TAAD). Also called: Thoracic aortic aneurysms and dissections. Identifiers: Orphanet 91387, MedGen C4707243, MONDO:0019625.

gnomAD v4.1: 4 of 1,614,176 alleles (0.00025%); highest among the groups gnomAD compares: African/African-American, 0.0013%; no homozygotes.

Submissions (2):

Labcorp Genetics (formerly Invitae), Labcorp
Classification: Uncertain significance for Congenital contractural arachnodactyly. Last evaluated: 2025-09-22. Review status: criteria provided, single submitter. Criteria: Invitae Variant Classification Sherloc (09022015). Collection method: clinical testing. Allele origin: germline.
Comment: This sequence change replaces alanine, which is neutral and non-polar, with threonine, which is neutral and polar, at codon 474 of the FBN2 protein (p.Ala474Thr). This variant is not present in population databases (gnomAD no frequency). This variant has not been reported in the literature in individuals affected with FBN2-related conditions. ClinVar contains an entry for this variant (Variation ID: 3513616). Invitae Evidence Modeling of protein sequence and biophysical properties (such as structural, functional, and spatial information, amino acid conservation, physicochemical variation, residue mobility, and thermodynamic stability) indicates that this missense variant is not expected to disrupt FBN2 protein function with a negative predictive value of 95%. In summary, the available evidence is currently insufficient to determine the role of this variant in disease. Therefore, it has been classified as a Variant of Uncertain Significance.

Ambry Genetics
Classification: Uncertain significance for Familial thoracic aortic aneurysm and aortic dissection. Last evaluated: 2024-09-16. Review status: criteria provided, single submitter. Criteria: Ambry Variant Classification Scheme 2023. Collection method: clinical testing. Allele origin: germline.
Comment: The p.A474T variant (also known as c.1420G>A), located in coding exon 10 of the FBN2 gene, results from a G to A substitution at nucleotide position 1420. The alanine at codon 474 is replaced by threonine, an amino acid with similar properties. This amino acid position is well conserved in available vertebrate species. In addition, this alteration is predicted to be tolerated by in silico analysis. Based on the available evidence, the clinical significance of this variant remains unclear.